The following is an entry in ClinVar:

ClinVar aggregate classification (germline): Uncertain significance. Review status: criteria provided, multiple submitters, no conflicts (2 of 4 stars). 3 submissions from 3 submitters: Uncertain significance (3). Last evaluated 2024-06-11.

Conditions:
FGFR2-related craniosynostosis. Identifiers: MedGen CN231480.

Allele frequency attached by ClinVar (database versions not stated): gnomAD exomes below 0.00001; gnomAD 0.00003 and 0.00004; TOPMed 0.00005.
gnomAD v4.1: 8 of 1,613,986 alleles (0.0005%); highest among the groups gnomAD compares: African/African-American, 0.011%; no homozygotes.

Submissions (3):

GeneDx
Classification: Uncertain significance. Last evaluated: 2024-06-11. Review status: criteria provided, single submitter. Criteria: GeneDx Variant Classification Process June 2021. Collection method: clinical testing. Allele origin: germline. Affected: yes.
Comment: Identified in a patient with Cushing's disease and several other variants in different genes in published literature (PMID: 27615706); Not observed at significant frequency in large population cohorts (gnomAD); In silico analysis supports that this missense variant has a deleterious effect on protein structure/function; This variant is associated with the following publications: (PMID: 32012988, 27615706)

Labcorp Genetics (formerly Invitae), Labcorp
Classification: Uncertain significance for FGFR2-related craniosynostosis. Last evaluated: 2022-01-14. Review status: criteria provided, single submitter. Criteria: Invitae Variant Classification Sherloc (09022015). Collection method: clinical testing. Allele origin: germline.
Comment: This sequence change replaces proline, which is neutral and non-polar, with alanine, which is neutral and non-polar, at codon 443 of the FGFR2 protein (p.Pro443Ala). This variant is present in population databases (rs7078073, gnomAD 0.008%). This variant has not been reported in the literature in individuals affected with FGFR2-related conditions. ClinVar contains an entry for this variant (Variation ID: 994609). Algorithms developed to predict the effect of missense changes on protein structure and function are either unavailable or do not agree on the potential impact of this missense change (SIFT: "Deleterious"; PolyPhen-2: "Benign"; Align-GVGD: "Class C25"). In summary, the available evidence is currently insufficient to determine the role of this variant in disease. Therefore, it has been classified as a Variant of Uncertain Significance.

Athena Diagnostics
Classification: Uncertain significance. Last evaluated: 2020-07-14. Review status: criteria provided, single submitter. Criteria: Athena Diagnostics Criteria. Collection method: clinical testing. Allele origin: unknown.

NM_000141.5(FGFR2):c.1327C>G (p.Pro443Ala)

Gene: FGFR2 (fibroblast growth factor receptor 2; minus strand). Cytogenetic location: 10q26.13.
Variant type: single nucleotide variant.
Coding change: c.1327C>G on transcript NM_000141.5 (MANE Select); coding-DNA position 1327, C replaced by G.
Protein change: p.Pro443Ala; replaces proline 443 with alanine.
Molecular consequence: missense variant. On other transcripts: non-coding transcript variant (1).
Genome position (GRCh38, 1-based): chr10:121,503,902, G>C on the plus strand (C>G on the coding strand, the complement: FGFR2 is on the minus strand). VCF-style: chr10-121503902-G-C. GRCh37 (hg19) VCF-style: chr10-123263416-G-C.
Other names: c.1330C>G, p.Pro444Ala (NM_001144913.1, NM_022970.4); c.991C>G, p.Pro331Ala (NM_001144914.1); c.1060C>G, p.Pro354Ala (NM_001144915.2, NM_023029.3); c.982C>G, p.Pro328Ala (NM_001144916.2); c.979C>G, p.Pro327Ala (NM_001144917.2); c.976C>G, p.Pro326Ala (NM_001144918.2); c.1063C>G, p.Pro355Ala (NM_001144919.2); c.643C>G, p.Pro215Ala (NM_001320654.2); and 1 more; short protein forms P215A, P326A, P327A, P328A, P331A, P354A, P355A, P441A.
Identifiers: ClinVar variation 994609 (VCV000994609.10), dbSNP rs7078073, ClinGen allele CA214297296.
Genomic context (GRCh38, chr10:121,503,902, plus strand): 5'-CCCCTGCCAGCATGGGGGTGTCTGCCGTTGAAGAGAGGCGTGTTGTTATCCTCACCAGCG[G>C]GGTGTTGGAGTTCATGGAGGAGCTGGACTCAGCCGAAACCTGGATACAAAATGCAAAGAC-3'
Protein context (NP_000132.3, residues 433-453): ESSSSMNSNT[Pro443Ala]LVRITTRLSS